The following is an entry in ClinVar:

NM_001394062.1(MACF1):c.9868G>A (p.Ala3290Thr)

Gene: MACF1 (microtubule actin crosslinking factor 1; plus strand). Cytogenetic location: 1p34.3.
Variant type: single nucleotide variant.
Coding change: c.9868G>A on transcript NM_001394062.1 (MANE Select); coding-DNA position 9868, G replaced by A.
Protein change: p.Ala3290Thr; replaces alanine 3290 with threonine.
Molecular consequence: missense variant. On other transcripts: intron variant (1).
Genome position (GRCh38, 1-based): chr1:39,336,456, G>A. VCF-style: chr1-39336456-G-A. GRCh37 (hg19) VCF-style: chr1-39802128-G-A.
Other names: c.4629+9103G>A (NM_012090.5); short protein forms A3290T.
Identifiers: ClinVar variation 4821301 (VCV004821301.4).

ClinVar aggregate classification (germline): Likely benign (1 of 4 stars; one submission).

gnomAD v4.1: 63 of 1,614,054 alleles (0.0039%); highest among the groups gnomAD compares: Non-Finnish European, 0.0053%; no homozygotes.

Submission:

CeGaT Center for Human Genetics Tuebingen
Classification: Likely benign. Last evaluated: 2026-01-01. Review status: criteria provided, single submitter. Criteria: CeGaT Center For Human Genetics Tuebingen Variant Classification Criteria Version 2. Collection method: clinical testing. Allele origin: germline. Affected: yes. Observed: 1 variant allele.
Comment: MACF1: BP4, BS2